The following is an entry in ClinVar:

NM_000719.7(CACNA1C):c.329A>G (p.Lys110Arg)

Gene: CACNA1C (calcium voltage-gated channel subunit alpha1 C; plus strand). Cytogenetic location: 12p13.33.
Variant type: single nucleotide variant.
Coding change: c.329A>G on transcript NM_000719.7 (MANE Select); coding-DNA position 329, A replaced by G.
Protein change: p.Lys110Arg; replaces lysine 110 with arginine.
Molecular consequence: missense variant.
Genome position (GRCh38, 1-based): chr12:2,115,503, A>G. VCF-style: chr12-2115503-A-G. GRCh37 (hg19) VCF-style: chr12-2224669-A-G.
Other names: c.329A>G, p.Lys110Arg (NM_001129827.2, NM_001129829.2, NM_001129830.3 and 19 more transcripts); short protein forms K110R.
Identifiers: ClinVar variation 4751844 (VCV004751844.2).

ClinVar aggregate classification (germline): Uncertain significance. Review status: criteria provided, multiple submitters, no conflicts (2 of 4 stars). 2 submissions from 2 submitters: Uncertain significance (2). Last evaluated 2026-02-27.

Conditions:
Cardiovascular phenotype. Identifiers: MedGen CN230736.
Long QT syndrome (LQTS). Identifiers: MedGen C0023976, MeSH D008133, MONDO:0002442. Disease mechanism: loss of function. Inheritance: Various modes of inheritance.

Submissions (2):

Ambry Genetics
Classification: Uncertain significance for Cardiovascular phenotype. Last evaluated: 2026-02-27. Review status: criteria provided, single submitter. Criteria: Ambry Variant Classification Scheme 2023. Collection method: clinical testing. Allele origin: germline.

Labcorp Genetics (formerly Invitae), Labcorp
Classification: Uncertain significance for Long QT syndrome. Last evaluated: 2025-07-27. Review status: criteria provided, single submitter. Criteria: Invitae Variant Classification Sherloc (09022015). Collection method: clinical testing. Allele origin: germline.
Comment: This sequence change replaces lysine, which is basic and polar, with arginine, which is basic and polar, at codon 110 of the CACNA1C protein (p.Lys110Arg). This variant is not present in population databases (gnomAD no frequency). This variant has not been reported in the literature in individuals affected with CACNA1C-related conditions. Invitae Evidence Modeling of protein sequence and biophysical properties (such as structural, functional, and spatial information, amino acid conservation, physicochemical variation, residue mobility, and thermodynamic stability) indicates that this missense variant is not expected to disrupt CACNA1C protein function with a negative predictive value of 80%. In summary, the available evidence is currently insufficient to determine the role of this variant in disease. Therefore, it has been classified as a Variant of Uncertain Significance.